The following is an entry in ClinVar:

ClinVar aggregate classification (germline): Uncertain significance. Review status: criteria provided, multiple submitters, no conflicts (2 of 4 stars). 2 submissions from 2 submitters: Uncertain significance (2). Last evaluated 2025-08-12.

Allele frequency attached by ClinVar (database versions not stated): gnomAD 0.00001; gnomAD exomes 0.00004; TOPMed 0.00005; ExAC 0.00006.
gnomAD v4.1: 62 of 1,613,810 alleles (0.0038%); highest among the groups gnomAD compares: South Asian, 0.0044%; no homozygotes.

Submissions (2):

Labcorp Genetics (formerly Invitae), Labcorp
Classification: Uncertain significance. Last evaluated: 2025-08-12. Review status: criteria provided, single submitter. Criteria: Invitae Variant Classification Sherloc (09022015). Collection method: clinical testing. Allele origin: germline.
Comment: This sequence change replaces proline, which is neutral and non-polar, with leucine, which is neutral and non-polar, at codon 124 of the IL23R protein (p.Pro124Leu). This variant is present in population databases (rs781262110, gnomAD 0.01%). This variant has not been reported in the literature in individuals affected with IL23R-related conditions. ClinVar contains an entry for this variant (Variation ID: 2170832). An algorithm developed to predict the effect of missense changes on protein structure and function (PolyPhen-2) suggests that this variant is likely to be disruptive. In summary, the available evidence is currently insufficient to determine the role of this variant in disease. Therefore, it has been classified as a Variant of Uncertain Significance.

Ambry Genetics
Classification: Uncertain significance. Last evaluated: 2021-10-12. Review status: criteria provided, single submitter. Criteria: Ambry Variant Classification Scheme 2023. Collection method: clinical testing. Allele origin: germline.

NM_144701.3(IL23R):c.371C>T (p.Pro124Leu)

Gene: IL23R (interleukin 23 receptor; plus strand). Cytogenetic location: 1p31.3.
Variant type: single nucleotide variant.
Coding change: c.371C>T on transcript NM_144701.3 (MANE Select); coding-DNA position 371, C replaced by T.
Protein change: p.Pro124Leu; replaces proline 124 with leucine.
Molecular consequence: missense variant.
Genome position (GRCh38, 1-based): chr1:67,182,839, C>T. VCF-style: chr1-67182839-C-T. GRCh37 (hg19) VCF-style: chr1-67648522-C-T.
Other names: c.371C>T (NM_144701.2); short protein forms P124L.
Identifiers: ClinVar variation 2170832 (VCV002170832.5), dbSNP rs781262110, ClinGen allele CA899699.